The following is an entry in ClinVar:

ClinVar aggregate classification (germline): Benign/Likely benign. Review status: criteria provided, multiple submitters, no conflicts (2 of 4 stars). 6 submissions from 6 submitters: Benign (3); Likely benign (3). Last evaluated 2026-08-01.

Conditions:
Tuberous sclerosis 2 (TSC2). Identifiers: Orphanet 805, MedGen C1860707, MONDO:0013199, OMIM 613254.

Allele frequency attached by ClinVar (database versions not stated): TOPMed 0.00001; gnomAD 0.00003; ExAC 0.00008.
gnomAD v4.1: 39 of 1,613,124 alleles (0.0024%); highest among the groups gnomAD compares: Admixed American, 0.022%; no homozygotes.

Submissions (6):

CeGaT Center for Human Genetics Tuebingen
Classification: Likely benign. Last evaluated: 2026-08-01. Review status: criteria provided, single submitter. Criteria: CeGaT Center For Human Genetics Tuebingen Variant Classification Criteria Version 2. Collection method: clinical testing. Allele origin: germline. Affected: yes. Observed: 2 variant alleles.
Comment: TSC2: BP4

Labcorp Genetics (formerly Invitae), Labcorp
Classification: Benign for Tuberous sclerosis 2. Last evaluated: 2026-01-21. Review status: criteria provided, single submitter. Criteria: Invitae Variant Classification Sherloc (09022015). Collection method: clinical testing. Allele origin: germline.

Myriad Genetics, Inc.
Classification: Benign for Tuberous sclerosis 2. Last evaluated: 2024-09-09. Review status: criteria provided, single submitter. Criteria: Myriad Autosomal Dominant, Autosomal Recessive and X-Linked Classification Criteria (2023). Collection method: clinical testing. Allele origin: unknown.
Comment: This variant is considered benign. This variant is intronic and is not expected to impact mRNA splicing. This variant has been observed at a population frequency that is significantly greater than expected given the associated disease prevalence and penetrance.

Blueprint Genetics
Classification: Likely benign. Last evaluated: 2024-08-02. Review status: criteria provided, single submitter. Criteria: ACMG Guidelines, 2015. Collection method: clinical testing. Allele origin: germline.

Genome-Nilou Lab
Classification: Benign for Tuberous sclerosis 2. Last evaluated: 2021-11-07. Review status: criteria provided, single submitter. Criteria: ACMG Guidelines, 2015. Collection method: clinical testing. Allele origin: germline. Affected: no.

GeneDx
Classification: Likely benign. Last evaluated: 2016-12-08. Review status: criteria provided, single submitter. Criteria: GeneDx Variant Classification (06012015). Collection method: clinical testing. Allele origin: germline. Affected: yes.
Comment: This variant is considered likely benign or benign based on one or more of the following criteria: it is a conservative change, it occurs at a poorly conserved position in the protein, it is predicted to be benign by multiple in silico algorithms, and/or has population frequency not consistent with disease.

NM_000548.5(TSC2):c.1946+7G>A

Gene: TSC2 (TSC complex subunit 2; plus strand). Cytogenetic location: 16p13.3.
Variant type: single nucleotide variant.
Coding change: c.1946+7G>A on transcript NM_000548.5 (MANE Select); 7 bases into the intron after coding-DNA position 1946, G replaced by A.
Molecular consequence: intron variant.
Genome position (GRCh38, 1-based): chr16:2,071,623, G>A. VCF-style: chr16-2071623-G-A. GRCh37 (hg19) VCF-style: chr16-2121624-G-A.
Other names: c.1946+7G>A (NM_001114382.3, NM_021055.3, NM_001370405.1 and 3 more transcripts); c.1835+7G>A (NM_001318827.2); c.1346+7G>A (NM_001318831.2); c.1799+7G>A (NM_001318829.2); c.1979+7G>A (NM_001318832.2).
Identifiers: ClinVar variation 379713 (VCV000379713.22), dbSNP rs759576009, ClinGen allele CA034967.